The following is an entry in ClinVar:

ClinVar aggregate classification (germline): Pathogenic/Likely pathogenic. Review status: criteria provided, multiple submitters, no conflicts (2 of 4 stars). 4 submissions from 4 submitters: Pathogenic (1); Likely pathogenic (2). 1 of the submissions does not count toward it. Last evaluated 2026-01-20.

Conditions:
Arthrogryposis multiplex congenita 6. Identifiers: MedGen C5543431, MONDO:0030281, OMIM 619334.
Nemaline myopathy 2 (NEM2). Also called: Nemaline myopathy 2, autosomal recessive. Identifiers: MedGen C1850569, MONDO:0009725, OMIM 256030.

Allele frequency attached by ClinVar (database versions not stated): gnomAD 0.00003; TOPMed 0.00004.
gnomAD v4.1: 4 of 1,591,506 alleles (0.00025%); highest among the groups gnomAD compares: African/African-American, 0.0054%; no homozygotes.

Submissions (4):

Labcorp Genetics (formerly Invitae), Labcorp
Classification: Likely pathogenic for Nemaline myopathy 2. Last evaluated: 2026-01-20. Review status: criteria provided, single submitter. Criteria: Invitae Variant Classification Sherloc (09022015). Collection method: clinical testing. Allele origin: germline.
Comment: This sequence change affects a donor splice site in intron 157 of the NEB gene. It is expected to disrupt RNA splicing. Variants that disrupt the donor or acceptor splice site typically lead to a loss of protein function (PMID: 16199547), and loss-of-function variants in NEB are known to be pathogenic (PMID: 25205138). This variant is present in population databases (no rsID available, gnomAD 0.01%). This variant has not been reported in the literature in individuals affected with NEB-related conditions. ClinVar contains an entry for this variant (Variation ID: 553704). Algorithms developed to predict the effect of sequence changes on RNA splicing suggest that this variant may disrupt the consensus splice site. In summary, the currently available evidence indicates that the variant is pathogenic, but additional data are needed to prove that conclusively. Therefore, this variant has been classified as Likely Pathogenic.

Baylor Genetics
Classification: Likely pathogenic for Arthrogryposis multiplex congenita 6. Last evaluated: 2024-02-13. Review status: criteria provided, single submitter. Criteria: ACMG Guidelines, 2015. Collection method: clinical testing. Allele origin: unknown.

Revvity Omics, Revvity
Classification: Pathogenic. Last evaluated: 2019-10-28. Review status: criteria provided, single submitter. Criteria: ACMG Guidelines, 2015. Collection method: clinical testing. Allele origin: germline.

Counsyl
Classification: Likely pathogenic for Nemaline myopathy 2. Last evaluated: 2017-09-05. Review status: no assertion criteria provided. Collection method: clinical testing. Allele origin: unknown. Not counted in ClinVar's aggregate classification.

Literature cited by the submitters: PubMed 16199547 (cited by Labcorp Genetics (formerly Invitae), Labcorp); PubMed 25205138 (cited by Labcorp Genetics (formerly Invitae), Labcorp).

NM_001164508.2(NEB):c.22800+1G>A

Genes: RIF1 (replication timing regulatory factor 1; plus strand), NEB (nebulin; minus strand). Cytogenetic location: 2q23.3.
Variant type: single nucleotide variant.
Coding change: c.22800+1G>A on transcript NM_001164508.2 (MANE Select); the canonical splice donor site of the intron after coding-DNA position 22800, G replaced by A.
Molecular consequence: splice donor variant.
Genome position (GRCh38, 1-based): chr2:151,518,317, C>T on the plus strand (G>A on the coding strand, the complement: NEB is on the minus strand). VCF-style: chr2-151518317-C-T. GRCh37 (hg19) VCF-style: chr2-152374831-C-T.
Other names: c.17697+1G>A (NM_004543.5); c.22800+1G>A (NM_001164507.2); c.22905+1G>A (NM_001271208.2).
Identifiers: ClinVar variation 553704 (VCV000553704.13), dbSNP rs1302373559, ClinGen allele CA348759026.
Genomic context (GRCh38, chr2:151,518,317, plus strand): 5'-TTTTCACATTGTACTGTGGATGAATGTGCGCCAGAGGAAAAATCGGTCTTGATCCACTTA[C>T]TATACTCTGTAATTCTGTGGCCTCTTTTAGGTGAAGCTGCTCCAGATTATCGGGTATGGT-3'